The following is an entry in ClinVar:

ClinVar aggregate classification (germline): Uncertain significance. Review status: criteria provided, multiple submitters, no conflicts (2 of 4 stars). 2 submissions from 2 submitters: Uncertain significance (2). Last evaluated 2025-05-17.

Conditions:
Inborn genetic diseases. Identifiers: MedGen C0950123, MeSH D030342.
Joubert syndrome. Also called: CEREBELLOPARENCHYMAL DISORDER IV; JOUBERT-BOLTSHAUSER SYNDROME; Familial aplasia of the vermis. Identifiers: Orphanet 475, MedGen C5979921, MONDO:0018772.
Meckel-Gruber syndrome. Also called: DYSENCEPHALIA SPLANCHNOCYSTICA; GRUBER SYNDROME; Dysencephalia splachnocystica. Identifiers: Orphanet 564, MedGen C0265215, MONDO:0018921.

Allele frequency attached by ClinVar (database versions not stated): ExAC 0.00001; gnomAD exomes 0.00001; TOPMed 0.00001.
gnomAD v4.1: 16 of 1,613,334 alleles (0.00099%); highest among the groups gnomAD compares: Non-Finnish European, 0.0011%; no homozygotes.

Submissions (2):

Ambry Genetics
Classification: Uncertain significance for Inborn genetic diseases. Last evaluated: 2025-05-17. Review status: criteria provided, single submitter. Criteria: Ambry Variant Classification Scheme 2023. Collection method: clinical testing. Allele origin: germline.

Labcorp Genetics (formerly Invitae), Labcorp
Classification: Uncertain significance for Joubert syndrome; Meckel-Gruber syndrome. Last evaluated: 2022-01-03. Review status: criteria provided, single submitter. Criteria: Invitae Variant Classification Sherloc (09022015). Collection method: clinical testing. Allele origin: germline.
Comment: This sequence change replaces asparagine, which is neutral and polar, with threonine, which is neutral and polar, at codon 20 of the RPGRIP1L protein (p.Asn20Thr). This variant is present in population databases (rs766276171, gnomAD 0.0009%). This variant has not been reported in the literature in individuals affected with RPGRIP1L-related conditions. Algorithms developed to predict the effect of missense changes on protein structure and function (SIFT, PolyPhen-2, Align-GVGD) all suggest that this variant is likely to be tolerated. In summary, the available evidence is currently insufficient to determine the role of this variant in disease. Therefore, it has been classified as a Variant of Uncertain Significance.

NM_015272.5(RPGRIP1L):c.59A>C (p.Asn20Thr)

Gene: RPGRIP1L (RPGRIP1 like; minus strand). Cytogenetic location: 16q12.2.
Variant type: single nucleotide variant.
Coding change: c.59A>C on transcript NM_015272.5 (MANE Select); coding-DNA position 59, A replaced by C.
Protein change: p.Asn20Thr; replaces asparagine 20 with threonine.
Molecular consequence: missense variant.
Genome position (GRCh38, 1-based): chr16:53,700,665, T>G on the plus strand (A>C on the coding strand, the complement: RPGRIP1L is on the minus strand). VCF-style: chr16-53700665-T-G. GRCh37 (hg19) VCF-style: chr16-53734577-T-G.
Other names: c.59A>C (NM_015272.2); c.59A>C, p.Asn20Thr (NM_001127897.4, NM_001308334.3, NM_001328422.2 and 2 more transcripts); short protein forms N20T.
Identifiers: ClinVar variation 1936551 (VCV001936551.3), dbSNP rs766276171, ClinGen allele CA8058233.